The following is an entry in ClinVar:

NM_000051.4(ATM):c.241A>G (p.Asn81Asp)

Gene: ATM (ATM serine/threonine kinase; plus strand). Cytogenetic location: 11q22.3.
Variant type: single nucleotide variant.
Coding change: c.241A>G on transcript NM_000051.4 (MANE Select); coding-DNA position 241, A replaced by G.
Protein change: p.Asn81Asp; replaces asparagine 81 with aspartic acid.
Molecular consequence: missense variant.
Genome position (GRCh38, 1-based): chr11:108,229,233, A>G. VCF-style: chr11-108229233-A-G. GRCh37 (hg19) VCF-style: chr11-108099960-A-G.
Other names: c.241A>G, p.Asn81Asp (NM_001351834.2, NM_001351835.2, NM_001351836.2); short protein forms N81D.
Identifiers: ClinVar variation 187119 (VCV000187119.38), dbSNP rs758962678, ClinGen allele CA196782.
Genomic context (GRCh38, chr11:108,229,233, plus strand): 5'-TGAAGATTTTTACAGAAATATATTCAGAAAGAAACAGAATGTCTGAGAATAGCAAAACCA[A>G]ATGTATCAGCCTCAACACAAGCCTCCAGGCAGAAAAAGATGCAGGAAATCAGTAGTTTGG-3'
Protein context (NP_000042.3, residues 71-91): ETECLRIAKP[Asn81Asp]VSASTQASRQ

ClinVar aggregate classification (germline): Conflicting classifications of pathogenicity. Review status: criteria provided, conflicting classifications (1 of 4 stars). 10 submissions from 10 submitters: Uncertain significance (8); Likely benign (1). 1 of the submissions does not count toward it. Last evaluated 2026-04-29.

Conditions:
ATM-related disorder. Also called: ATM-related disorders; ATM-related condition.
Hereditary cancer-predisposing syndrome. Also called: Neoplastic Syndromes, Hereditary; Tumor predisposition; Hereditary neoplastic syndrome; Hereditary Cancer Syndrome. Identifiers: Orphanet 140162, MedGen C0027672, MeSH D009386, MONDO:0015356.
Familial cancer of breast. Also called: Hereditary breast cancer; BREAST CANCER, FAMILIAL; hereditary breast carcinoma. Identifiers: Orphanet 227535, MedGen C0346153, MONDO:0016419, OMIM 114480. Disease mechanism: loss of function.
Ataxia-telangiectasia syndrome (AT). Also called: Cerebello-oculocutaneous telangiectasia; Immunodeficiency with ataxia telangiectasia; AT, COMPLEMENTATION GROUP C; LOUIS-BAR SYNDROME; Ataxia-telangiectasia, complementation group E; ATAXIA-TELANGIECTASIA, COMPLEMENTATION GROUP A. Identifiers: Orphanet 100, MedGen C0004135, MONDO:0008840, OMIM 208900.

Allele frequency attached by ClinVar (database versions not stated): gnomAD 0.00001; ExAC 0.00002; gnomAD exomes 0.00003 and 0.00008; TOPMed 0.00005.
gnomAD v4.1: 23 of 1,613,572 alleles (0.0014%); highest among the groups gnomAD compares: Admixed American, 0.037%; no homozygotes.

Submissions (10):

Ambry Genetics
Classification: Likely benign for Hereditary cancer-predisposing syndrome. Last evaluated: 2026-04-29. Review status: criteria provided, single submitter. Criteria: Ambry Variant Classification Scheme 2023. Collection method: clinical testing. Allele origin: germline.

Labcorp Genetics (formerly Invitae), Labcorp
Classification: Uncertain significance for Ataxia-telangiectasia syndrome. Last evaluated: 2026-01-11. Review status: criteria provided, single submitter. Criteria: Invitae Variant Classification Sherloc (09022015). Collection method: clinical testing. Allele origin: germline.
Comment: This sequence change replaces asparagine, which is neutral and polar, with aspartic acid, which is acidic and polar, at codon 81 of the ATM protein (p.Asn81Asp). This variant is present in population databases (rs758962678, gnomAD 0.05%). This missense change has been observed in individual(s) with breast cancer (PMID: 30262796, 31206626). ClinVar contains an entry for this variant (Variation ID: 187119). Invitae Evidence Modeling of protein sequence and biophysical properties (such as structural, functional, and spatial information, amino acid conservation, physicochemical variation, residue mobility, and thermodynamic stability) indicates that this missense variant is not expected to disrupt ATM protein function with a negative predictive value of 95%. In summary, the available evidence is currently insufficient to determine the role of this variant in disease. Therefore, it has been classified as a Variant of Uncertain Significance.

Women's Health and Genetics/Laboratory Corporation of America, LabCorp
Classification: Uncertain significance. Last evaluated: 2025-08-29. Review status: criteria provided, single submitter. Criteria: LabCorp Variant Classification Summary - May 2015. Collection method: clinical testing. Allele origin: germline.
Comment: Variant summary: ATM c.241A>G (p.Asn81Asp) results in a conservative amino acid change located in the Telomere-length maintenance and DNA damage repair domain of the encoded protein sequence. Algorithms developed to predict the effect of missense changes on protein structure and function are either unavailable or do not agree on the potential impact of this missense change. The variant allele was found at a frequency of 7.6e-05 in 250838 control chromosomes. This frequency is not significantly higher than estimated for disease-causing variants in ATM, allowing no conclusion about variant significance. c.241A>G has been reported in the literature in individuals affected with breast cancer or other cancer (e.g. Mu_2016, QuezadaUrban_2018, Weitzel_2019). These report(s) do not provide unequivocal conclusions about association of the variant with Breast Cancer. To our knowledge, no experimental evidence demonstrating an impact on protein function has been reported. The following publications have been ascertained in the context of this evaluation (PMID: 27720647, 30262796, 31206626). ClinVar contains an entry for this variant (Variation ID: 187119). Based on the evidence outlined above, the variant was classified as uncertain significance.

GeneDx
Classification: Uncertain significance. Last evaluated: 2025-07-15. Review status: criteria provided, single submitter. Criteria: GeneDx Variant Classification Process June 2021. Collection method: clinical testing. Allele origin: germline. Affected: yes.
Comment: Observed in individuals with a personal and/or family history of breast cancer (PMID: 30262796, 31206626); In silico analysis supports that this missense variant has a deleterious effect on protein structure/function; This variant is associated with the following publications: (PMID: 27720647, 31658756, 31206626, 15713674, 30262796)

PreventionGenetics, part of Exact Sciences
Classification: Uncertain significance for ATM-related condition. Last evaluated: 2025-05-23. Review status: criteria provided, single submitter. Criteria: ACMG Guidelines, 2015. Collection method: clinical testing. Allele origin: germline.
Comment: The ATM c.241A>G variant is predicted to result in the amino acid substitution p.Asn81Asp. This variant has been reported in individuals with breast cancer, individuals with hereditary breast and ovarian cancer susceptibility/strong family history, as well as in control individuals undergoing breast and ovarian cancer testing; however, pathogenicity was not established (Table S2, Quezada Urban et al. 2018. PubMed ID: 30262796; Table S3, Weitzel et al. 2019. PubMed ID: 31206626; Supp. Table 3 in Mu et al. 2016. PubMed ID: 27720647). This variant is reported in 0.055% of alleles in individuals of Latino descent in gnomAD and is interpreted as uncertain in ClinVar. At this time, the clinical significance of this variant is uncertain due to the absence of conclusive functional and genetic evidence.

Quest Diagnostics Nichols Institute San Juan Capistrano
Classification: Uncertain significance. Last evaluated: 2024-10-22. Review status: criteria provided, single submitter. Criteria: Quest Diagnostics criteria. Collection method: clinical testing. Allele origin: unknown.
Comment: The ATM c.241A>G (p.Asn81Asp) variant has been reported in the published literature in individuals with breast cancer and in a one reportedly healthy individual (PMID: 31206626 (2019)), also in individuals with suspected hereditary cancer or breast/ovarian cancer (PMIDs: 30262796 (2018), 27720647 (2015)). Additionally, this variant was assessed in a functional study, however, the results do not conclusively indicate a pathogenic role for this variant (PMID: 15713674 (2005)). The frequency of this variant in the general population, 0.00055 (19/34506 chromosomes in Admixed American subpopulation (Genome Aggregation Database)), is higher than would generally be expected for pathogenic variants in this gene. Analysis of this variant using bioinformatics tools for the prediction of the effect of amino acid changes on protein structure and function yielded predictions that this variant is benign. Based on the available information, we are unable to determine the clinical significance of this variant.

Color Diagnostics, LLC DBA Color Health
Classification: Uncertain significance for Hereditary cancer-predisposing syndrome. Last evaluated: 2024-07-09. Review status: criteria provided, single submitter. Criteria: ACMG Guidelines, 2015. Collection method: clinical testing. Allele origin: germline.
Comment: This missense variant replaces asparagine with aspartic acid at codon 81 of the ATM protein. Computational prediction suggests that this variant may not impact protein structure and function (internally defined REVEL score threshold <= 0.5, PMID: 27666373). To our knowledge, functional studies have not been reported for this variant. However, an ATM variant protein containing four missense mutations between codons 81 to 87, including p.Asn81Asp, has been shown to be similar to wild-type in kinase and p53 binding assays and survival after ionizing radiation exposure (PMID: 15713674). This variant has been observed in three BRCA1/2 negative individuals affected with breast cancer (PMID: 31206626), individuals suspected of hereditary breast and ovarian cancer (PMID: 30262796) or hereditary cancer (PMID: 27720647), as well as an unaffected control individual (PMID: 31206626). This variant has been identified in 19/250838 chromosomes in the general population by the Genome Aggregation Database (gnomAD). The available evidence is insufficient to determine the role of this variant in disease conclusively. Therefore, this variant is classified as a Variant of Uncertain Significance.

Baylor Genetics
Classification: Uncertain significance for Familial cancer of breast. Last evaluated: 2024-03-03. Review status: criteria provided, single submitter. Criteria: ACMG Guidelines, 2015. Collection method: clinical testing. Allele origin: unknown.

Athena Diagnostics
Classification: Uncertain significance. Last evaluated: 2023-06-05. Review status: criteria provided, single submitter. Criteria: Athena Diagnostics Criteria. Collection method: clinical testing. Allele origin: unknown.
Comment: Available data are insufficient to determine the clinical significance of the variant at this time. The frequency of this variant in the general population is higher than would generally be expected for pathogenic variants in this gene. Assessment of experimental evidence regarding the effect of this variant on protein function is inconclusive. This variant was found in a cell line and showed impaired ATM activity and reduced p53 binding, but it is unclear how this may affect disease. (PMID: 15713674)

Natera, Inc.
Classification: Uncertain significance for Ataxia-telangiectasia. Last evaluated: 2020-08-06. Review status: no assertion criteria provided. Collection method: clinical testing. Allele origin: germline. Not counted in ClinVar's aggregate classification.

Literature cited by the submitters: PubMed 15713674 (cited by 4 submitters); PubMed 30262796 (cited by 6 submitters); PubMed 31206626 (cited by 6 submitters); PubMed 40580951 (cited by Ambry Genetics); PubMed 27720647 (cited by 4 submitters); PubMed 31658756 (cited by Quest Diagnostics Nichols Institute San Juan Capistrano and Athena Diagnostics).